The following is an entry in ClinVar:

NM_001211.6(BUB1B):c.1259T>C (p.Phe420Ser)

Gene: BUB1B (BUB1 mitotic checkpoint serine/threonine kinase B; plus strand). Cytogenetic location: 15q15.1.
Variant type: single nucleotide variant.
Coding change: c.1259T>C on transcript NM_001211.6 (MANE Select); coding-DNA position 1259, T replaced by C.
Protein change: p.Phe420Ser; replaces phenylalanine 420 with serine.
Molecular consequence: missense variant.
Genome position (GRCh38, 1-based): chr15:40,196,745, T>C. VCF-style: chr15-40196745-T-C. GRCh37 (hg19) VCF-style: chr15-40488946-T-C.
Other names: short protein forms F420S.
Identifiers: ClinVar variation 1367581 (VCV001367581.10), dbSNP rs2140898529, ClinGen allele CA391687699.

ClinVar aggregate classification (germline): Uncertain significance. Review status: criteria provided, multiple submitters, no conflicts (2 of 4 stars). 2 submissions from 2 submitters: Uncertain significance (2). Last evaluated 2021-07-28.

Conditions:
Inborn genetic diseases. Identifiers: MedGen C0950123, MeSH D030342.
Mosaic variegated aneuploidy syndrome 1 (MVA1). Also called: Warburton-Anyane-Yeboa syndrome. Identifiers: Orphanet 1052, MedGen C1850343, MONDO:0009759, OMIM 257300.

Allele frequency attached by ClinVar (database versions not stated): gnomAD exomes below 0.00001.
gnomAD v4.1: 1 of 1,614,060 alleles (0.000062%); highest among the groups gnomAD compares: Non-Finnish European, 0.000085%; no homozygotes.

Submissions (2):

Ambry Genetics
Classification: Uncertain significance for Inborn genetic diseases. Last evaluated: 2021-07-28. Review status: criteria provided, single submitter. Criteria: Ambry Variant Classification Scheme 2023. Collection method: clinical testing. Allele origin: germline.
Comment: The p.F420S variant (also known as c.1259T>C), located in coding exon 9 of the BUB1B gene, results from a T to C substitution at nucleotide position 1259. The phenylalanine at codon 420 is replaced by serine, an amino acid with highly dissimilar properties. This amino acid position is conserved. In addition, the in silico prediction for this alteration is inconclusive. Since supporting evidence is limited at this time, the clinical significance of this alteration remains unclear.

Labcorp Genetics (formerly Invitae), Labcorp
Classification: Uncertain significance for Mosaic variegated aneuploidy syndrome 1. Last evaluated: 2020-12-03. Review status: criteria provided, single submitter. Criteria: Invitae Variant Classification Sherloc (09022015). Collection method: clinical testing. Allele origin: germline.
Comment: This sequence change replaces phenylalanine with serine at codon 420 of the BUB1B protein (p.Phe420Ser). The phenylalanine residue is weakly conserved and there is a large physicochemical difference between phenylalanine and serine. In summary, the available evidence is currently insufficient to determine the role of this variant in disease. Therefore, it has been classified as a Variant of Uncertain Significance. Algorithms developed to predict the effect of missense changes on protein structure and function (SIFT, PolyPhen-2, Align-GVGD) all suggest that this variant is likely to be disruptive, but these predictions have not been confirmed by published functional studies and their clinical significance is uncertain. This variant has not been reported in the literature in individuals with BUB1B-related conditions. This variant is not present in population databases (ExAC no frequency).